The following is an entry in ClinVar:

NM_002617.4(PEX10):c.1A>C (p.Met1Leu)

Gene: PEX10 (peroxisomal biogenesis factor 10; minus strand). Cytogenetic location: 1p36.32.
Variant type: single nucleotide variant.
Coding change: c.1A>C on transcript NM_002617.4 (MANE Select); coding-DNA position 1, A replaced by C.
Protein change: p.Met1Leu; changes the start codon (methionine 1).
Molecular consequence: missense variant, initiator codon variant. On other transcripts: intron variant (2).
Genome position (GRCh38, 1-based): chr1:2,412,502, T>G on the plus strand (A>C on the coding strand, the complement: PEX10 is on the minus strand). VCF-style: chr1-2412502-T-G. GRCh37 (hg19) VCF-style: chr1-2343941-T-G.
Other names: c.1A>C, p.Met1Leu (NM_001374425.1, NM_153818.2); c.-321+1095A>C (NM_001374427.1, NM_001374426.1); short protein forms M1L.
Identifiers: ClinVar variation 2756352 (VCV002756352.3), dbSNP rs886041314, ClinGen allele CA337990825.

ClinVar aggregate classification (germline): Pathogenic (1 of 4 stars; one submission).

Conditions:
Peroxisome biogenesis disorder, complementation group 7 (CG7). Also called: Peroxisome biogenesis disorder, complementation group B. Identifiers: MedGen C1864399.

Submission:

Labcorp Genetics (formerly Invitae), Labcorp
Classification: Pathogenic for Peroxisome biogenesis disorder, complementation group 7. Last evaluated: 2023-08-29. Review status: criteria provided, single submitter. Criteria: Invitae Variant Classification Sherloc (09022015). Collection method: clinical testing. Allele origin: germline.
Comment: Disruption of the initiator codon has been observed in individual(s) with Zellweger spectrum disorder (PMID: 28320181). It has also been observed to segregate with disease in related individuals. For these reasons, this variant has been classified as Pathogenic. This variant is not present in population databases (gnomAD no frequency). This sequence change affects the initiator methionine of the PEX10 mRNA. The next in-frame methionine is located at codon 145.

Literature cited by the submitters: PubMed 28320181.